The following is an entry in ClinVar:

NM_152564.5(VPS13B):c.2715T>C (p.His905=)

Gene: VPS13B (vacuolar protein sorting 13 homolog B; plus strand). Cytogenetic location: 8q22.2.
Variant type: single nucleotide variant.
Coding change: c.2715T>C on transcript NM_152564.5 (MANE Select); coding-DNA position 2715, T replaced by C.
Protein change: p.His905=; no amino-acid change (histidine 905 retained).
Molecular consequence: synonymous variant.
Genome position (GRCh38, 1-based): chr8:99,275,145, T>C. VCF-style: chr8-99275145-T-C. GRCh37 (hg19) VCF-style: chr8-100287373-T-C.
Other names: c.2715T>C, p.His905= (NM_017890.5); c.2715T>C (NM_152564.4).
Identifiers: ClinVar variation 1110187 (VCV001110187.10), dbSNP rs1161109130, ClinGen allele CA462423066.

ClinVar aggregate classification (germline): Likely benign. Review status: criteria provided, single submitter (1 of 4 stars). 2 submissions from 2 submitters: Likely benign (1). 1 of the submissions does not count toward it. Last evaluated 2024-10-29.

Conditions:
VPS13B-related disorder. Also called: VPS13B-related condition.
Cohen syndrome (COH1). Also called: Cutis verticis gyrata, retinitis pigmentosa, and sensorineural deafness; PEPPER SYNDROME. Identifiers: Orphanet 193, MedGen C0265223, MONDO:0008999, OMIM 216550.

Allele frequency attached by ClinVar (database versions not stated): gnomAD exomes below 0.00001.
gnomAD v4.1: 4 of 1,612,866 alleles (0.00025%); highest among the groups gnomAD compares: African/African-American, 0.0013%; no homozygotes.

Submissions (2):

Labcorp Genetics (formerly Invitae), Labcorp
Classification: Likely benign for Cohen syndrome. Last evaluated: 2024-10-29. Review status: criteria provided, single submitter. Criteria: Invitae Variant Classification Sherloc (09022015). Collection method: clinical testing. Allele origin: germline.

PreventionGenetics, part of Exact Sciences
Classification: Likely benign for VPS13B-related condition. Last evaluated: 2024-06-27. Review status: no assertion criteria provided. Collection method: clinical testing. Allele origin: germline. Not counted in ClinVar's aggregate classification.
Comment: This variant is classified as likely benign based on ACMG/AMP sequence variant interpretation guidelines (Richards et al. 2015 PMID: 25741868, with internal and published modifications).